The following is an entry in ClinVar:

NM_000092.5(COL4A4):c.1807_1816del (p.Asp603fs)

Gene: COL4A4 (collagen type IV alpha 4 chain; minus strand). Cytogenetic location: 2q36.3.
Variant type: Deletion.
Coding change: c.1807_1816del on transcript NM_000092.5 (MANE Select); coding-DNA positions 1807 to 1816, 10 bases deleted (GATCATGAAG; older notation c.1807_1816delGATCATGAAG).
Protein change: p.Asp603fs; shifts the reading frame from aspartic acid 603.
Molecular consequence: frameshift variant.
Genome position (GRCh38, 1-based): chr2:227,078,065-227,078,074, CTTCATGATC deleted on the plus strand (GATCATGAAG on the coding strand, the reverse complement: COL4A4 is on the minus strand); deleting any 10 consecutive bases within chr2:227,078,065-227,078,075 gives the same sequence; the c. name uses the placement nearest the transcript's 3' end. VCF-style (leftmost placement, unchanged base first): chr2-227078064-TCTTCATGATC-T. GRCh37 (hg19) VCF-style: chr2-227942780-TCTTCATGATC-T.
Other names: short protein forms D603fs.
Identifiers: ClinVar variation 1687188 (VCV001687188.1), dbSNP rs2150477599, ClinGen allele CA2573135370.

ClinVar aggregate classification (germline): Likely pathogenic (1 of 4 stars; one submission).

Conditions:
Benign familial hematuria. Also called: thin basement membrane disease. Identifiers: MedGen C0241908, MONDO:0957317.

Submission:

3billion
Classification: Likely pathogenic for Hematuria, benign familial, 1. Last evaluated: 2022-05-22. Review status: criteria provided, single submitter. Criteria: ACMG Guidelines, 2015. Collection method: clinical testing. Allele origin: germline. Affected: yes. Observed: 1 heterozygote.
Comment: The variant is not observed in the gnomAD v2.1.1 dataset. Frameshift: predicted to result in a loss or disruption of normal protein function through nonsense-mediated decay (NMD) or protein truncation. Multiple pathogenic variants are reported downstream of the variant. Therefore, this variant is classified as likely pathogenic according to the recommendation of ACMG/AMP guideline.